The following is an entry in ClinVar:

ClinVar aggregate classification (germline): Uncertain significance (1 of 4 stars; one submission).

Conditions:
Hereditary cancer-predisposing syndrome. Also called: Neoplastic Syndromes, Hereditary; Tumor predisposition; Hereditary neoplastic syndrome; Hereditary Cancer Syndrome. Identifiers: Orphanet 140162, MedGen C0027672, MeSH D009386, MONDO:0015356.

Submission:

Ambry Genetics
Classification: Uncertain significance for Hereditary cancer-predisposing syndrome. Last evaluated: 2023-09-25. Review status: criteria provided, single submitter. Criteria: Ambry Variant Classification Scheme 2023. Collection method: clinical testing. Allele origin: germline.
Comment: The p.N775K variant (also known as c.2325C>G), located in coding exon 14 of the PMS2 gene, results from a C to G substitution at nucleotide position 2325. The asparagine at codon 775 is replaced by lysine, an amino acid with similar properties. This amino acid position is conserved. In addition, this alteration is predicted to be tolerated by in silico analysis. Since supporting evidence is limited at this time, the clinical significance of this alteration remains unclear.

NM_000535.7(PMS2):c.2325C>G (p.Asn775Lys)

Gene: PMS2 (PMS1 homolog 2, mismatch repair system component; minus strand). Cytogenetic location: 7p22.1.
Variant type: single nucleotide variant.
Coding change: c.2325C>G on transcript NM_000535.7 (MANE Select); coding-DNA position 2325, C replaced by G.
Protein change: p.Asn775Lys; replaces asparagine 775 with lysine.
Molecular consequence: missense variant. On other transcripts: non-coding transcript variant (1).
Genome position (GRCh38, 1-based): chr7:5,977,708, G>C on the plus strand (C>G on the coding strand, the complement: PMS2 is on the minus strand). VCF-style: chr7-5977708-G-C. GRCh37 (hg19) VCF-style: chr7-6017339-G-C.
Other names: c.1920C>G, p.Asn640Lys (NM_001018040.1, NM_001322003.2, NM_001322004.2 and 12 more transcripts); c.2169C>G, p.Asn723Lys (NM_001322006.2); c.2007C>G, p.Asn669Lys (NM_001322007.2, NM_001322008.2, NM_001406883.1); c.1953C>G, p.Asn651Lys (NM_001322009.2, NM_001406887.1, NM_001406888.1); c.1764C>G, p.Asn588Lys (NM_001322010.2, NM_001406906.1, NM_001406907.1); c.1392C>G, p.Asn464Lys (NM_001322011.2, NM_001322012.2); c.1752C>G, p.Asn584Lys (NM_001322013.2, NM_001406908.1, NM_001406909.1); c.2358C>G, p.Asn786Lys (NM_001322014.2); and 20 more; short protein forms N374K, N464K, N518K, N536K, N584K, N588K, N604K, N613K.
Identifiers: ClinVar variation 3232012 (VCV003232012.1), dbSNP rs1158225764, ClinGen allele CA366735985.